The following is an entry in ClinVar:

NM_006343.3(MERTK):c.2131A>G (p.Met711Val)

Gene: MERTK (MER proto-oncogene, tyrosine kinase; plus strand). Cytogenetic location: 2q13.
Variant type: single nucleotide variant.
Coding change: c.2131A>G on transcript NM_006343.3 (MANE Select); coding-DNA position 2131, A replaced by G.
Protein change: p.Met711Val; replaces methionine 711 with valine.
Molecular consequence: missense variant.
Genome position (GRCh38, 1-based): chr2:112,019,464, A>G. VCF-style: chr2-112019464-A-G. GRCh37 (hg19) VCF-style: chr2-112777041-A-G.
Other names: short protein forms M711V.
Identifiers: ClinVar variation 2809073 (VCV002809073.3), dbSNP rs2466909467, ClinGen allele CA348236669.
Genomic context (GRCh38, chr2:112,019,464, plus strand): 5'-ATCATCTAGCATATTCCTCTGCAGACACTATTGAAGTTCATGGTGGATATTGCCCTGGGA[A>G]TGGAGTATCTGAGCAACAGGAATTTTCTTCATCGAGATTTAGCTGCTCGAAACTGCATGT-3'
Protein context (NP_006334.2, residues 701-721): LKFMVDIALG[Met711Val]EYLSNRNFLH

ClinVar aggregate classification (germline): Uncertain significance (1 of 4 stars; one submission).

Submission:

Labcorp Genetics (formerly Invitae), Labcorp
Classification: Uncertain significance. Last evaluated: 2022-10-19. Review status: criteria provided, single submitter. Criteria: Invitae Variant Classification Sherloc (09022015). Collection method: clinical testing. Allele origin: germline.
Comment: This sequence change replaces methionine, which is neutral and non-polar, with valine, which is neutral and non-polar, at codon 711 of the MERTK protein (p.Met711Val). This variant is not present in population databases (gnomAD no frequency). This variant has not been reported in the literature in individuals affected with MERTK-related conditions. Advanced modeling of protein sequence and biophysical properties (such as structural, functional, and spatial information, amino acid conservation, physicochemical variation, residue mobility, and thermodynamic stability) performed at Invitae indicates that this missense variant is expected to disrupt MERTK protein function. In summary, the available evidence is currently insufficient to determine the role of this variant in disease. Therefore, it has been classified as a Variant of Uncertain Significance.